The following is an entry in ClinVar:

ClinVar aggregate classification (germline): Uncertain significance (1 of 4 stars; one submission).

Allele frequency attached by ClinVar (database versions not stated): gnomAD exomes below 0.00001.
gnomAD v4.1: 4 of 1,610,586 alleles (0.00025%); highest among the groups gnomAD compares: African/African-American, 0.0013%; no homozygotes.

Submission:

Labcorp Genetics (formerly Invitae), Labcorp
Classification: Uncertain significance. Last evaluated: 2024-02-25. Review status: criteria provided, single submitter. Criteria: Invitae Variant Classification Sherloc (09022015). Collection method: clinical testing. Allele origin: germline.
Comment: This sequence change replaces proline, which is neutral and non-polar, with leucine, which is neutral and non-polar, at codon 14 of the RASGRP1 protein (p.Pro14Leu). This variant is not present in population databases (gnomAD no frequency). This variant has not been reported in the literature in individuals affected with RASGRP1-related conditions. ClinVar contains an entry for this variant (Variation ID: 1007948). An algorithm developed to predict the effect of missense changes on protein structure and function (PolyPhen-2) suggests that this variant is likely to be tolerated. In summary, the available evidence is currently insufficient to determine the role of this variant in disease. Therefore, it has been classified as a Variant of Uncertain Significance.

NM_005739.4(RASGRP1):c.41C>T (p.Pro14Leu)

Gene: RASGRP1 (RAS guanyl releasing protein 1; minus strand). Cytogenetic location: 15q14.
Variant type: single nucleotide variant.
Coding change: c.41C>T on transcript NM_005739.4 (MANE Select); coding-DNA position 41, C replaced by T.
Protein change: p.Pro14Leu; replaces proline 14 with leucine.
Molecular consequence: missense variant.
Genome position (GRCh38, 1-based): chr15:38,560,000, G>A on the plus strand (C>T on the coding strand, the complement: RASGRP1 is on the minus strand). VCF-style: chr15-38560000-G-A. GRCh37 (hg19) VCF-style: chr15-38852201-G-A.
Other names: c.41C>T, p.Pro14Leu (NM_001128602.2, NM_001306086.2); short protein forms P14L.
Identifiers: ClinVar variation 1007948 (VCV001007948.8), dbSNP rs955391750, ClinGen allele CA268716816.